The following is an entry in ClinVar:

ClinVar aggregate classification (germline): Uncertain significance (1 of 4 stars; one submission).

Submission:

GeneDx
Classification: Uncertain significance. Last evaluated: 2022-04-18. Review status: criteria provided, single submitter. Criteria: GeneDx Variant Classification Process June 2021. Collection method: clinical testing. Allele origin: germline. Affected: yes.
Comment: Not observed at significant frequency in large population cohorts (gnomAD); In silico analysis supports a deleterious effect on splicing; Has not been previously published as pathogenic or benign to our knowledge

NM_002206.3(ITGA7):c.206+4A>T

Gene: ITGA7 (integrin subunit alpha 7; minus strand). Cytogenetic location: 12q13.2.
Variant type: single nucleotide variant.
Coding change: c.206+4A>T on transcript NM_002206.3 (MANE Select); 4 bases into the intron after coding-DNA position 206, A replaced by T.
Molecular consequence: intron variant.
Genome position (GRCh38, 1-based): chr12:55,707,473, T>A on the plus strand (A>T on the coding strand, the complement: ITGA7 is on the minus strand). VCF-style: chr12-55707473-T-A. GRCh37 (hg19) VCF-style: chr12-56101257-T-A.
Other names: c.85+4590A>T (NM_001144997.2); c.-133-4295A>T (NM_001367993.1, NM_001414035.1); c.206+4A>T (NM_001414033.1, NM_001414032.1, NM_001414031.1 and 6 more transcripts); c.-967+4A>T (NM_001367994.1).
Identifiers: ClinVar variation 1711956 (VCV001711956.2), dbSNP rs2539938166, ClinGen allele CA2580086503.